The following is an entry in ClinVar:

ClinVar aggregate classification (germline): Uncertain significance (1 of 4 stars; one submission).

Conditions:
Intellectual disability. Also called: Intellectual functioning disability; intellectual disabilities; Intellectual developmental disorder. Identifiers: MedGen C3714756, MeSH D008607, MONDO:0001071, HP:0001249.

gnomAD v4.1: 3 of 1,592,880 alleles (0.00019%); highest among the groups gnomAD compares: South Asian, 0.0011%; no homozygotes.

Submission:

Labcorp Genetics (formerly Invitae), Labcorp
Classification: Uncertain significance for Intellectual disability. Last evaluated: 2022-09-06. Review status: criteria provided, single submitter. Criteria: Invitae Variant Classification Sherloc (09022015). Collection method: clinical testing. Allele origin: germline.
Comment: In summary, the available evidence is currently insufficient to determine the role of this variant in disease. Therefore, it has been classified as a Variant of Uncertain Significance. Variants that disrupt the consensus splice site are a relatively common cause of aberrant splicing (PMID: 17576681, 9536098). Algorithms developed to predict the effect of sequence changes on RNA splicing suggest that this variant is not likely to affect RNA splicing. This variant has not been reported in the literature in individuals affected with GABRB2-related conditions. This variant is not present in population databases (gnomAD no frequency). This sequence change falls in intron 3 of the GABRB2 gene. It does not directly change the encoded amino acid sequence of the GABRB2 protein. It affects a nucleotide within the consensus splice site.

Literature cited by the submitters: PubMed 17576681; PubMed 9536098.

NM_001371727.1(GABRB2):c.170-3C>T

Gene: GABRB2 (gamma-aminobutyric acid type A receptor subunit beta2; minus strand). Cytogenetic location: 5q34.
Variant type: single nucleotide variant.
Coding change: c.170-3C>T on transcript NM_001371727.1 (MANE Select); 3 bases into the intron before coding-DNA position 170, C replaced by T.
Molecular consequence: intron variant.
Genome position (GRCh38, 1-based): chr5:161,545,297, G>A on the plus strand (C>T on the coding strand, the complement: GABRB2 is on the minus strand). VCF-style: chr5-161545297-G-A. GRCh37 (hg19) VCF-style: chr5-160972303-G-A.
Other names: c.170-3C>T (NM_000813.3, NM_021911.3).
Identifiers: ClinVar variation 2047607 (VCV002047607.4), dbSNP rs2480166756, ClinGen allele CA2580073973.